The following is an entry in ClinVar:

ClinVar aggregate classification (germline): Likely pathogenic (1 of 4 stars; one submission).

Conditions:
Dilated cardiomyopathy 1G (CMD1G). Identifiers: Orphanet 154, MedGen C1858763, MONDO:0011400, OMIM 604145.
Autosomal recessive limb-girdle muscular dystrophy type 2J (LGMDR10). Also called: Limb-girdle muscular dystrophy, type 2J; MUSCULAR DYSTROPHY, LIMB-GIRDLE, AUTOSOMAL RECESSIVE 10. Identifiers: Orphanet 140922, MedGen C1837342, MONDO:0012127, OMIM 608807.

Submission:

Labcorp Genetics (formerly Invitae), Labcorp
Classification: Likely pathogenic for Dilated cardiomyopathy 1G; Autosomal recessive limb-girdle muscular dystrophy type 2J. Last evaluated: 2024-11-03. Review status: criteria provided, single submitter. Criteria: Invitae Variant Classification Sherloc (09022015). Collection method: clinical testing. Allele origin: germline.
Comment: This sequence change creates a premature translational stop signal (p.Leu32069*) in the TTN gene. While this is not anticipated to result in nonsense mediated decay, it is expected to create a truncated TTN protein. This variant is not present in population databases (gnomAD no frequency). This variant has not been reported in the literature in individuals affected with TTN-related conditions. This variant is located in the A band of TTN (PMID: 25589632). Truncating variants in this region are significantly overrepresented in patients affected with dilated cardiomyopathy (PMID: 25589632). Truncating variants in this region have also been reported in individuals affected with autosomal recessive centronuclear myopathy (PMID: 23975875). In summary, the currently available evidence indicates that the variant is pathogenic, but additional data are needed to prove that conclusively. Therefore, this variant has been classified as Likely Pathogenic.

Literature cited by the submitters: PubMed 25589632; PubMed 23975875.

NM_001267550.2(TTN):c.96206T>A (p.Leu32069Ter)

Genes: TTN (titin; minus strand), TTN-AS1 (TTN antisense RNA 1; plus strand), LOC126806421 (CDK7 strongly-dependent group 2 enhancer GRCh37_chr2:179407630-179408829; plus strand). Cytogenetic location: 2q31.2.
Variant type: single nucleotide variant.
Coding change: c.96206T>A on transcript NM_001267550.2 (MANE Select); coding-DNA position 96206, T replaced by A.
Protein change: p.Leu32069Ter; replaces leucine 32069 with a stop codon.
Molecular consequence: nonsense.
Genome position (GRCh38, 1-based): chr2:178,543,938, A>T on the plus strand (T>A on the coding strand, the complement: TTN is on the minus strand). VCF-style: chr2-178543938-A-T. GRCh37 (hg19) VCF-style: chr2-179408665-A-T.
Other names: c.91283T>A, p.Leu30428Ter (NM_001256850.1); c.69011T>A, p.Leu23004Ter (NM_003319.4); c.88502T>A, p.Leu29501Ter (NM_133378.4); c.69386T>A, p.Leu23129Ter (NM_133432.3); c.69587T>A, p.Leu23196Ter (NM_133437.4); short protein forms L23004*, L23129*, L23196*, L29501*, L30428*, L32069*.
Identifiers: ClinVar variation 3759681 (VCV003759681.2).
Genomic context (GRCh38, chr2:178,543,938, plus strand): 5'-TTTTCAGCTTCAATTGTGTATTTTCCAGCATCGTACCGATTAACTTTGTCCACTATTAGC[A>T]ATGAGTAGCTCTCAGTGGTGTCAATAATTGCCCGGCTTGCAAGGTCAATGCCCTGCTTGC-3'